The following is an entry in ClinVar:

ClinVar aggregate classification (germline): Benign/Likely benign. Review status: criteria provided, multiple submitters, no conflicts (2 of 4 stars). 12 submissions from 11 submitters: Benign (9); Likely benign (1). 2 of the submissions do not count toward it. Last evaluated 2026-02-04.

Conditions:
Blau syndrome (BLAUS). Also called: GRANULOMATOSIS, FAMILIAL JUVENILE SYSTEMIC; GRANULOMATOSIS, FAMILIAL, BLAU TYPE; GRANULOMATOUS INFLAMMATORY ARTHRITIS, DERMATITIS, AND UVEITIS, FAMILIAL; JABS SYNDROME; ARTHROCUTANEOUVEAL GRANULOMATOSIS. Identifiers: Orphanet 90340, MedGen C5201146, MONDO:0008523, OMIM 186580.
Regional enteritis. Also called: Enteritis, Granulomatous. Identifiers: MedGen C0678202, MeSH D003424.
Inflammatory bowel disease 1 (IBD1). Also called: INFLAMMATORY BOWEL DISEASE (CROHN DISEASE) 1; Inflammatory bowel disease 1, Crohn disease. Identifiers: MedGen CN260071, MONDO:0009960, OMIM 266600.

Allele frequency attached by ClinVar (database versions not stated): 1000 Genomes Project 30x 0.21362; 1000 Genomes Project 0.21605; TOPMed 0.31199; gnomAD 0.31906 and 0.32445; gnomAD exomes 0.32946 and 0.36784; ExAC 0.33022; ESP Exome Variant Server 0.33580.
gnomAD v4.1: 585,239 of 1,612,716 alleles (36%); highest among the groups gnomAD compares: Non-Finnish European, 39%; 111,633 homozygotes.

Submissions (12):

Labcorp Genetics (formerly Invitae), Labcorp
Classification: Benign for Regional enteritis; Blau syndrome. Last evaluated: 2026-02-04. Review status: criteria provided, single submitter. Criteria: Invitae Variant Classification Sherloc (09022015). Collection method: clinical testing. Allele origin: germline.

Women's Health and Genetics/Laboratory Corporation of America, LabCorp
Classification: Benign. Last evaluated: 2026-01-21. Review status: criteria provided, single submitter. Criteria: LabCorp Variant Classification Summary - May 2015. Collection method: clinical testing. Allele origin: germline.

ARUP Laboratories, Molecular Genetics and Genomics, ARUP Laboratories
Classification: Benign. Last evaluated: 2025-07-29. Review status: criteria provided, single submitter. Criteria: ARUP Molecular Germline Variant Investigation Process 2024. Collection method: clinical testing. Allele origin: germline.

Blueprint Genetics
Classification: Likely benign. Last evaluated: 2024-11-27. Review status: criteria provided, single submitter. Criteria: ACMG Guidelines, 2015. Collection method: clinical testing. Allele origin: germline.

Unidad de Genómica Garrahan, Hospital de Pediatría Garrahan
Classification: Benign. Last evaluated: 2023-11-12. Review status: criteria provided, single submitter. Criteria: ACMG Guidelines, 2015. Collection method: clinical testing. Allele origin: germline. Affected: no. Observed: 54 variant alleles.
Comment: This variant is classified as Benign based on local population frequency. This variant was detected in 56% of patients studied by a panel of primary immunodeficiencies. Number of patients: 54. Only high quality variants are reported.

Mayo Clinic Laboratories, Mayo Clinic
Classification: Benign. Last evaluated: 2018-03-22. Review status: criteria provided, single submitter. Criteria: ACMG Guidelines, 2015. Collection method: clinical testing. Allele origin: germline. Observed: 606 variant alleles.

Illumina Laboratory Services, Illumina
Classification: Benign for Inflammatory bowel disease 1. Last evaluated: 2018-01-13. Review status: criteria provided, single submitter. Criteria: ICSL Variant Classification Criteria 13 December 2019. Collection method: clinical testing. Allele origin: germline.
Comment: This variant was observed in the ICSL laboratory as part of a predisposition screen in an ostensibly healthy population. It had not been previously curated by ICSL or reported in the Human Gene Mutation Database (HGMD: prior to June 1st, 2018), and was therefore a candidate for classification through an automated scoring system. Utilizing variant allele frequency, disease prevalence and penetrance estimates, and inheritance mode, an automated score was calculated to assess if this variant is too frequent to cause the disease. Based on the score and internal cut-off values, a variant classified as benign is not then subjected to further curation. The score for this variant resulted in a classification of benign for this disease.

Illumina Laboratory Services, Illumina
Classification: Benign for Blau syndrome. Last evaluated: 2018-01-13. Review status: criteria provided, single submitter. Criteria: ICSL Variant Classification Criteria 13 December 2019. Collection method: clinical testing. Allele origin: germline.
Comment: the same text as in the submission from Illumina Laboratory Services, Illumina above.

Laboratory for Molecular Medicine, Mass General Brigham Personalized Medicine
Classification: Benign. Last evaluated: 2016-03-29. Review status: criteria provided, single submitter. Criteria: LMM Criteria. Collection method: clinical testing. Allele origin: germline.
Comment: Variant identified in a genome or exome case(s) and assessed due to predicted null impact of the variant or pathogenic assertions in the literature or databases. Disclaimer: This variant has not undergone full assessment. The following are preliminary notes: MAF

Breakthrough Genomics
Classification: Benign. Review status: criteria provided, single submitter. Criteria: ACMG Guidelines, 2015. Collection method: not provided. Allele origin: germline. Inheritance: Multifactorial inheritance. Affected: yes.

Clinical Genetics DNA and cytogenetics Diagnostics Lab, Erasmus MC, Erasmus Medical Center
Classification: Benign. Review status: no assertion criteria provided. Collection method: clinical testing. Allele origin: germline. Affected: yes. Study: VKGL Data-share Consensus. Not counted in ClinVar's aggregate classification.

Genome Diagnostics Laboratory, University Medical Center Utrecht
Classification: Benign. Review status: no assertion criteria provided. Collection method: clinical testing. Allele origin: germline. Affected: yes. Study: VKGL Data-share Consensus. Not counted in ClinVar's aggregate classification.

NM_001370466.1(NOD2):c.1680T>G (p.Arg560=)

Gene: NOD2 (nucleotide binding oligomerization domain containing 2; plus strand). Cytogenetic location: 16q12.1.
Variant type: single nucleotide variant.
Coding change: c.1680T>G on transcript NM_001370466.1 (MANE Select); coding-DNA position 1680, T replaced by G.
Protein change: p.Arg560=; no amino-acid change (arginine 560 retained).
Molecular consequence: synonymous variant. On other transcripts: non-coding transcript variant (1).
Genome position (GRCh38, 1-based): chr16:50,711,672, T>G. VCF-style: chr16-50711672-T-G. GRCh37 (hg19) VCF-style: chr16-50745583-T-G.
Other names: p.Arg587=; c.1680T>G, p.Arg560= (NM_001293557.2); c.1761T>G, p.Arg587= (NM_022162.3).
Identifiers: ClinVar variation 319450 (VCV000319450.40), dbSNP rs1861759, ClinGen allele CA8051620.